The following is an entry in ClinVar:

ClinVar aggregate classification (germline): Conflicting classifications of pathogenicity. Review status: criteria provided, conflicting classifications (1 of 4 stars). 4 submissions from 4 submitters: Likely pathogenic (1); Uncertain significance (2). 1 of the submissions does not count toward it. Last evaluated 2026-01-02.

Conditions:
Patterned dystrophy of the retinal pigment epithelium (MDPT1). Identifiers: Orphanet 63454, MedGen C1868569, MONDO:0018973.
PRPH2-related disorder. Also called: PRPH2-related disorders; PRPH2-related condition. Identifiers: MedGen CN239395.

Allele frequency attached by ClinVar (database versions not stated): gnomAD exomes below 0.00001; TOPMed 0.00001.

Submissions (4):

Labcorp Genetics (formerly Invitae), Labcorp
Classification: Uncertain significance for PRPH2-related disorder. Last evaluated: 2026-01-02. Review status: criteria provided, single submitter. Criteria: Invitae Variant Classification Sherloc (09022015). Collection method: clinical testing. Allele origin: germline.
Comment: This sequence change replaces tyrosine, which is neutral and polar, with histidine, which is basic and polar, at codon 204 of the PRPH2 protein (p.Tyr204His). This variant is not present in population databases (gnomAD no frequency). This missense change has been observed in individual(s) with clinical features of PRPH2-related conditions (PMID: 32531846). ClinVar contains an entry for this variant (Variation ID: 866564). Invitae Evidence Modeling of protein sequence and biophysical properties (such as structural, functional, and spatial information, amino acid conservation, physicochemical variation, residue mobility, and thermodynamic stability) has been performed for this missense variant. However, the output from this modeling did not meet the statistical confidence thresholds required to predict the impact of this variant on PRPH2 protein function. In summary, the available evidence is currently insufficient to determine the role of this variant in disease. Therefore, it has been classified as a Variant of Uncertain Significance.

Blueprint Genetics
Classification: Likely pathogenic for PRPH2-related disorders. Last evaluated: 2023-08-30. Review status: criteria provided, single submitter. Criteria: ACMG Guidelines, 2015. Collection method: clinical testing. Allele origin: germline. Affected: yes. Observed: 4 variant alleles.

NEI Ophthalmic Genomics Laboratory, National Institutes of Health
Classification: Uncertain significance for Patterned dystrophy of the retinal pigment epithelium. Last evaluated: 2020-01-07. Review status: criteria provided, single submitter. Criteria: ACMG Guidelines, 2015. Collection method: clinical testing. Allele origin: germline. Affected: yes.
Comment: The variant NM_000322.4:c.610T>C in the PRPH2 gene has not been reported to our knowledge . This variant is listed in dbSNP and/or HGMD (rs997283737). It is absent in gnomAD browser. It is not enriched in the PRPH2 disease cohort. We invoked ACMG criteria [PM1, PM2, PP3] and classified NM_000322.4:c.610T>C in the PRPH2 gene as a Variant of Uncertain Significance.

Leiden Open Variation Database
Classification: Uncertain significance. Last evaluated: 2021-04-06. Review status: no assertion criteria provided. Collection method: curation. Allele origin: germline. Affected: yes. Not counted in ClinVar's aggregate classification.
Comment: Curator: Global Variome, with Curator vacancy. Submitters to LOVD: LOVD, Manon Peeters.

Literature cited by the submitters: PubMed 32531846 (cited by Labcorp Genetics (formerly Invitae), Labcorp and Leiden Open Variation Database); PubMed 28761320 (cited by Leiden Open Variation Database).

NM_000322.5(PRPH2):c.610T>C (p.Tyr204His)

Gene: PRPH2 (peripherin 2; minus strand). Cytogenetic location: 6p21.1.
Variant type: single nucleotide variant.
Coding change: c.610T>C on transcript NM_000322.5 (MANE Select); coding-DNA position 610, T replaced by C.
Protein change: p.Tyr204His; replaces tyrosine 204 with histidine.
Molecular consequence: missense variant.
Genome position (GRCh38, 1-based): chr6:42,704,583, A>G on the plus strand (T>C on the coding strand, the complement: PRPH2 is on the minus strand). VCF-style: chr6-42704583-A-G. GRCh37 (hg19) VCF-style: chr6-42672321-A-G.
Other names: short protein forms Y204H.
Identifiers: ClinVar variation 866564 (VCV000866564.9), dbSNP rs997283737, ClinGen allele CA138171896.